The following is an entry in ClinVar:

NM_021096.4(CACNA1I):c.5592G>A (p.Ser1864=)

Gene: CACNA1I (calcium voltage-gated channel subunit alpha1 I; plus strand). Cytogenetic location: 22q13.1.
Variant type: single nucleotide variant.
Coding change: c.5592G>A on transcript NM_021096.4 (MANE Select); coding-DNA position 5592, G replaced by A.
Protein change: p.Ser1864=; no amino-acid change (serine 1864 retained).
Molecular consequence: synonymous variant.
Genome position (GRCh38, 1-based): chr22:39,680,980, G>A. VCF-style: chr22-39680980-G-A. GRCh37 (hg19) VCF-style: chr22-40076985-G-A.
Other names: c.5487G>A, p.Ser1829= (NM_001003406.2).
Identifiers: ClinVar variation 4987254 (VCV004987254.1).
Genomic context (GRCh38, chr22:39,680,980, plus strand): 5'-CTTCCTGCAGGTGCAGCTGGCTGAGACGGAGGCCTTCTCCCTGAACTCAGACAGGTCCTC[G>A]TCCATCCTGCTGGGTGACGACCTGAGTCTCGAGGACCCCACAGCCTGCCCACCTGGCCGC-3'
Protein context (NP_066919.2, residues 1854-1874): EAFSLNSDRS[Ser1864=]SILLGDDLSL

ClinVar aggregate classification (germline): Likely benign (1 of 4 stars; one submission).

Conditions:
CACNA1I-related disorder. Also called: CACNA1I-related condition.

gnomAD v4.1: 13 of 1,611,734 alleles (0.00081%); highest among the groups gnomAD compares: African/African-American, 0.0067%; no homozygotes.

Submission:

PreventionGenetics, part of Exact Sciences
Classification: Likely benign for CACNA1I-related condition. Last evaluated: 2024-12-08. Review status: criteria provided, single submitter. Criteria: ACMG Guidelines, 2015. Collection method: clinical testing. Allele origin: germline.
Comment: This variant is classified as likely benign based on ACMG/AMP sequence variant interpretation guidelines (Richards et al. 2015 PMID: 25741868, with internal and published modifications).